The following is an entry in ClinVar:

NM_000709.4(BCKDHA):c.797del (p.Asn266fs)

Gene: BCKDHA (branched chain keto acid dehydrogenase E1 subunit alpha; plus strand). Cytogenetic location: 19q13.2.
Variant type: Deletion.
Coding change: c.797del on transcript NM_000709.4 (MANE Select); coding-DNA position 797, one base deleted (A; older notation c.797delA).
Protein change: p.Asn266fs; shifts the reading frame from asparagine 266.
Molecular consequence: frameshift variant.
Genome position (GRCh38, 1-based): chr19:41,422,314, A deleted; the last of 2 consecutive A bases (chr19:41,422,313-41,422,314); deleting either gives the same sequence. VCF-style (leftmost placement, unchanged base first): chr19-41422312-GA-G. GRCh37 (hg19) VCF-style: chr19-41928217-GA-G.
Other names: c.797del, p.Asn266fs (NM_001164783.2); short protein forms N266fs.
Identifiers: ClinVar variation 5010662 (VCV005010662.1), dbSNP rs754303047.
Genomic context (GRCh38, chr19:41,422,312, plus strand): 5'-CGCCCATGCCGGCTTCAACTTCGCTGCCACACTTGAGTGCCCCATCATCTTCTTCTGCCG[GA>G]ACAATGGCTACGCCATCTCCACGCCCACCTCTGAGCAGTATCGCGGCGATGGCATTGGTA-3'

ClinVar aggregate classification (germline): Pathogenic (1 of 4 stars; one submission).

Conditions:
Maple syrup urine disease type 1A (MSUD1A). Also called: MSUD type 1A. Identifiers: MedGen C1855369, MONDO:0023691, OMIM 248600.

Submission:

Myriad Genetics, Inc.
Classification: Pathogenic for Maple syrup urine disease type 1A. Last evaluated: 2024-03-30. Review status: criteria provided, single submitter. Criteria: Myriad Autosomal Dominant, Autosomal Recessive and X-Linked Classification Criteria (2023). Collection method: clinical testing. Allele origin: unknown.
Comment: NM_000709.3(BCKDHA):c.797delA(N266Tfs*64) is expected to be pathogenic in the context of maple syrup urine disease type Ia. This variant is predicted to lead to an abnormal or absent protein product due to the creation of a premature termination codon in BCKDHA, a gene where loss-of-function variants are known to be pathogenic. Please note: this variant was assessed in the context of healthy population screening.